The following is an entry in ClinVar:

NM_001017420.3(ESCO2):c.1225C>T (p.Gln409Ter)

Gene: ESCO2 (establishment of sister chromatid cohesion N-acetyltransferase 2; plus strand). Cytogenetic location: 8p21.1.
Variant type: single nucleotide variant.
Coding change: c.1225C>T on transcript NM_001017420.3 (MANE Select); coding-DNA position 1225, C replaced by T.
Protein change: p.Gln409Ter; replaces glutamine 409 with a stop codon.
Molecular consequence: nonsense.
Genome position (GRCh38, 1-based): chr8:27,788,940, C>T. VCF-style: chr8-27788940-C-T. GRCh37 (hg19) VCF-style: chr8-27646457-C-T.
Other names: c.1225C>T (NM_001017420.2); short protein forms Q409*.
Identifiers: ClinVar variation 2837678 (VCV002837678.4), dbSNP rs2486657253, ClinGen allele CA370824242.
Genomic context (GRCh38, chr8:27,788,940, plus strand): 5'-TGCAAGTCTTGTGGTATGATATATACTGCTTCCAACCCTGAAGATGAAATGCAGCATGTA[C>T]AGCATCACCACAGGTTTCTGGAAGGAATCAAATATGTGGTGAGCCAAAACATAGTCTTTC-3'

ClinVar aggregate classification (germline): Pathogenic/Likely pathogenic. Review status: criteria provided, multiple submitters, no conflicts (2 of 4 stars). 2 submissions from 2 submitters: Pathogenic (1); Likely pathogenic (1). Last evaluated 2024-09-29.

Conditions:
Roberts-SC phocomelia syndrome (RBS). Also called: ESCO2 Spectrum Disorder; Hypomelia hypotrichosis facial hemangioma syndrome; Pseudothalidomide syndrome; Appelt-Gerken-Lenz syndrome; LONG BONE DEFICIENCIES ASSOCIATED WITH CLEFT LIP-PALATE. Identifiers: Orphanet 3103, MedGen C0392475, MONDO:0100253, OMIM 268300.

Submissions (2):

Natera, Inc.
Classification: Likely pathogenic for Roberts syndrome. Last evaluated: 2024-09-29. Review status: criteria provided, single submitter. Criteria: Natera Variant Classification Schema (03/2026). Collection method: clinical testing. Allele origin: germline.
Comment: The c.1225C>T variant in ESCO2 is a nonsense variant predicted to introduce a stop codon at amino acid 409. This variant is expected to result in nonsense mediated decay, truncation, or a dysfunctional protein product. This variant is rare in the general population with a frequency below the threshold expected for the associated phenotype(s). Given the available evidence, this variant is classified as Likely Pathogenic.

Labcorp Genetics (formerly Invitae), Labcorp
Classification: Pathogenic. Last evaluated: 2023-02-15. Review status: criteria provided, single submitter. Criteria: Invitae Variant Classification Sherloc (09022015). Collection method: clinical testing. Allele origin: germline.
Comment: This variant has not been reported in the literature in individuals affected with ESCO2-related conditions. This variant is not present in population databases (gnomAD no frequency). This sequence change creates a premature translational stop signal (p.Gln409*) in the ESCO2 gene. It is expected to result in an absent or disrupted protein product. Loss-of-function variants in ESCO2 are known to be pathogenic (PMID: 15821733, 16380922). For these reasons, this variant has been classified as Pathogenic.

Literature cited by the submitters: PubMed 15821733 (cited by Labcorp Genetics (formerly Invitae), Labcorp); PubMed 16380922 (cited by Labcorp Genetics (formerly Invitae), Labcorp).